The following is an entry in ClinVar:

ClinVar aggregate classification (germline): Uncertain significance (0 of 4 stars; one submission).

Conditions:
TRIM71-related disorder. Also called: TRIM71-related condition.

gnomAD v4.1: 46 of 1,614,074 alleles (0.0028%); highest among the groups gnomAD compares: Non-Finnish European, 0.0037%; no homozygotes.

Submission:

PreventionGenetics, part of Exact Sciences
Classification: Uncertain significance for TRIM71-related condition. Last evaluated: 2024-04-25. Review status: no assertion criteria provided. Collection method: clinical testing. Allele origin: germline.
Comment: The TRIM71 c.1075G>C variant is predicted to result in the amino acid substitution p.Val359Leu. To our knowledge, this variant has not been reported in the literature. This variant is reported in 0.0039% of alleles in individuals of European (Non-Finnish) descent in gnomAD. At this time, the clinical significance of this variant is uncertain due to the absence of conclusive functional and genetic evidence.

NM_001039111.3(TRIM71):c.1075G>C (p.Val359Leu)

Gene: TRIM71 (tripartite motif containing 71; plus strand). Cytogenetic location: 3p22.3.
Variant type: single nucleotide variant.
Coding change: c.1075G>C on transcript NM_001039111.3 (MANE Select); coding-DNA position 1075, G replaced by C.
Protein change: p.Val359Leu; replaces valine 359 with leucine.
Molecular consequence: missense variant.
Genome position (GRCh38, 1-based): chr3:32,885,988, G>C. VCF-style: chr3-32885988-G-C. GRCh37 (hg19) VCF-style: chr3-32927480-G-C.
Other names: short protein forms V359L.
Identifiers: ClinVar variation 3351507 (VCV003351507.1).